The following is an entry in ClinVar:

ClinVar aggregate classification (germline): Uncertain significance (1 of 4 stars; one submission).

Allele frequency attached by ClinVar (database versions not stated): TOPMed below 0.00001.
gnomAD v4.1: 4 of 1,614,064 alleles (0.00025%); highest among the groups gnomAD compares: Non-Finnish European, 0.00034%; no homozygotes.

Submission:

Labcorp Genetics (formerly Invitae), Labcorp
Classification: Uncertain significance. Last evaluated: 2022-05-07. Review status: criteria provided, single submitter. Criteria: Invitae Variant Classification Sherloc (09022015). Collection method: clinical testing. Allele origin: germline.
Comment: In summary, the available evidence is currently insufficient to determine the role of this variant in disease. Therefore, it has been classified as a Variant of Uncertain Significance. Algorithms developed to predict the effect of missense changes on protein structure and function are either unavailable or do not agree on the potential impact of this missense change (SIFT: "Deleterious"; PolyPhen-2: "Probably Damaging"; Align-GVGD: "Class C0"). This variant has not been reported in the literature in individuals affected with MICAL1-related conditions. This variant is not present in population databases (gnomAD no frequency). This sequence change replaces alanine, which is neutral and non-polar, with aspartic acid, which is acidic and polar, at codon 317 of the MICAL1 protein (p.Ala317Asp).

NM_022765.4(MICAL1):c.893C>A (p.Ala298Asp)

Gene: MICAL1 (microtubule associated monooxygenase, calponin and LIM domain containing 1; minus strand). Cytogenetic location: 6q21.
Variant type: single nucleotide variant.
Coding change: c.893C>A on transcript NM_022765.4 (MANE Select); coding-DNA position 893, C replaced by A.
Protein change: p.Ala298Asp; replaces alanine 298 with aspartic acid.
Molecular consequence: missense variant.
Genome position (GRCh38, 1-based): chr6:109,451,640, G>T on the plus strand (C>A on the coding strand, the complement: MICAL1 is on the minus strand). VCF-style: chr6-109451640-G-T. GRCh37 (hg19) VCF-style: chr6-109772843-G-T.
Other names: c.893C>A, p.Ala298Asp (NM_001159291.2); c.950C>A, p.Ala317Asp (NM_001286613.2); short protein forms A317D, A298D.
Identifiers: ClinVar variation 1974261 (VCV001974261.5), dbSNP rs1271582285, ClinGen allele CA365232194.